The following is an entry in ClinVar:

ClinVar aggregate classification (germline): Uncertain significance (1 of 4 stars; one submission).

Submission:

Labcorp Genetics (formerly Invitae), Labcorp
Classification: Uncertain significance. Last evaluated: 2025-02-13. Review status: criteria provided, single submitter. Criteria: Invitae Variant Classification Sherloc (09022015). Collection method: clinical testing. Allele origin: germline.
Comment: This sequence change falls in intron 4 of the FGB gene. It does not directly change the encoded amino acid sequence of the FGB protein. It affects a nucleotide within the consensus splice site. This variant is not present in population databases (gnomAD no frequency). This variant has not been reported in the literature in individuals affected with FGB-related conditions. Variants that disrupt the consensus splice site are a relatively common cause of aberrant splicing (PMID: 17576681, 9536098). Algorithms developed to predict the effect of sequence changes on RNA splicing suggest that this variant may disrupt the consensus splice site. In summary, the available evidence is currently insufficient to determine the role of this variant in disease. Therefore, it has been classified as a Variant of Uncertain Significance.

Literature cited by the submitters: PubMed 17576681; PubMed 9536098.

NM_005141.5(FGB):c.719-9_719-2del

Gene: FGB (fibrinogen beta chain; plus strand). Cytogenetic location: 4q31.3.
Variant type: Deletion.
Coding change: c.719-9_719-2del on transcript NM_005141.5 (MANE Select); 9 bases into the intron before coding-DNA position 719 through the canonical splice acceptor site of the intron before coding-DNA position 719, 8 bases deleted (CATTTGCA; older notation c.719-9_719-2delCATTTGCA).
Molecular consequence: splice acceptor variant.
Genome position (GRCh38, 1-based): chr4:154,568,372-154,568,379, CATTTGCA deleted; deleting any 8 consecutive bases within chr4:154,568,371-154,568,379 gives the same sequence; the c. name uses the placement nearest the transcript's 3' end. VCF-style (leftmost placement, unchanged base first): chr4-154568370-TACATTTGC-T. GRCh37 (hg19) VCF-style: chr4-155489522-TACATTTGC-T.
Other names: c.542-9_542-2del (NM_001184741.1); c.719-9_719-2del (NM_001382761.1, NM_001382760.1, NM_001382765.1 and 3 more transcripts); c.587-9_587-2del (NM_001382759.1).
Identifiers: ClinVar variation 4712984 (VCV004712984.1).